The following is an entry in ClinVar:

ClinVar aggregate classification (germline): Uncertain significance. Review status: criteria provided, multiple submitters, no conflicts (2 of 4 stars). 2 submissions from 2 submitters: Uncertain significance (2). Last evaluated 2020-09-10.

Conditions:
Cardiovascular phenotype. Identifiers: MedGen CN230736.
Long QT syndrome (LQTS). Identifiers: MedGen C0023976, MeSH D008133, MONDO:0002442. Disease mechanism: loss of function. Inheritance: Various modes of inheritance.

Allele frequency attached by ClinVar (database versions not stated): gnomAD 0.00001; gnomAD exomes 0.00001; ExAC 0.00002; TOPMed 0.00003.
gnomAD v4.1: 12 of 1,613,824 alleles (0.00074%); highest among the groups gnomAD compares: Middle Eastern, 0.033%; no homozygotes.

Submissions (2):

Labcorp Genetics (formerly Invitae), Labcorp
Classification: Uncertain significance for Long QT syndrome. Last evaluated: 2020-09-10. Review status: criteria provided, single submitter. Criteria: Invitae Variant Classification Sherloc (09022015). Collection method: clinical testing. Allele origin: germline.
Comment: Algorithms developed to predict the effect of missense changes on protein structure and function are either unavailable or do not agree on the potential impact of this missense change (SIFT: "Deleterious"; PolyPhen-2: "Probably Damaging"; Align-GVGD: "Class C0"). In summary, the available evidence is currently insufficient to determine the role of this variant in disease. Therefore, it has been classified as a Variant of Uncertain Significance. This variant has not been reported in the literature in individuals with AKAP9-related conditions. This variant is present in population databases (rs759474634, ExAC 0.006%). This sequence change replaces leucine with tryptophan at codon 2129 of the AKAP9 protein (p.Leu2129Trp). The leucine residue is highly conserved and there is a small physicochemical difference between leucine and tryptophan.

Ambry Genetics
Classification: Uncertain significance for Cardiovascular phenotype. Last evaluated: 2018-09-07. Review status: criteria provided, single submitter. Criteria: Ambry Variant Classification Scheme 2023. Collection method: clinical testing. Allele origin: germline.
Comment: The p.L2129W variant (also known as c.6386T>G), located in coding exon 27 of the AKAP9 gene, results from a T to G substitution at nucleotide position 6386. The leucine at codon 2129 is replaced by tryptophan, an amino acid with similar properties. This amino acid position is highly conserved in available vertebrate species. In addition, this alteration is predicted to be tolerated by in silico analysis. Since supporting evidence is limited at this time, the clinical significance of this alteration remains unclear.

NM_005751.5(AKAP9):c.6386T>G (p.Leu2129Trp)

Gene: AKAP9 (A-kinase anchoring protein 9; plus strand). Cytogenetic location: 7q21.2.
Variant type: single nucleotide variant.
Coding change: c.6386T>G on transcript NM_005751.5 (MANE Select); coding-DNA position 6386, T replaced by G.
Protein change: p.Leu2129Trp; replaces leucine 2129 with tryptophan.
Molecular consequence: missense variant.
Genome position (GRCh38, 1-based): chr7:92,070,085, T>G. VCF-style: chr7-92070085-T-G. GRCh37 (hg19) VCF-style: chr7-91699399-T-G.
Other names: c.1031T>G, p.Leu344Trp (NM_001379277.1); c.6386T>G, p.Leu2129Trp (NM_147185.3); short protein forms L2129W, L344W.
Identifiers: ClinVar variation 1005745 (VCV001005745.10), dbSNP rs759474634, ClinGen allele CA4337071.
Genomic context (GRCh38, chr7:92,070,085, plus strand): 5'-TTCAGGTTGAACAGTTAGCAAATCATCTGAAAGAAAAAACAGACAAATGCAGTGAGCTTT[T>G]GCTCTCTAAAGAGCAGCTTCAAAGGGATATACAAGAAAGGAATGAAGAAATAGAGAAACT-3'
Protein context (NP_005742.4, residues 2119-2139): KEKTDKCSEL[Leu2129Trp]LSKEQLQRDI